The following is an entry in ClinVar:

NM_006941.4(SOX10):c.313A>C (p.Lys105Gln)

Genes: POLR2F (RNA polymerase II, I and III subunit F; plus strand), SOX10 (SRY-box transcription factor 10; minus strand). Cytogenetic location: 22q13.1.
Variant type: single nucleotide variant.
Coding change: c.313A>C on transcript NM_006941.4 (MANE Select); coding-DNA position 313, A replaced by C.
Protein change: p.Lys105Gln; replaces lysine 105 with glutamine.
Molecular consequence: missense variant. On other transcripts: intron variant (3).
Genome position (GRCh38, 1-based): chr22:37,983,472, T>G on the plus strand (A>C on the coding strand, the complement: SOX10 is on the minus strand). VCF-style: chr22-37983472-T-G. GRCh37 (hg19) VCF-style: chr22-38379479-T-G.
Other names: c.*38+11162T>G (NM_001363825.1); c.294-2682T>G (NM_001301130.2); c.293+16302T>G (NM_001301131.2); short protein forms K105Q.
Identifiers: ClinVar variation 229267 (VCV000229267.6), dbSNP rs876658005, ClinGen allele CA10577153.

ClinVar aggregate classification (germline): Uncertain significance (1 of 4 stars; one submission).

Submission:

Laboratory for Molecular Medicine, Mass General Brigham Personalized Medicine
Classification: Uncertain significance. Last evaluated: 2015-04-29. Review status: criteria provided, single submitter. Criteria: LMM Criteria. Collection method: clinical testing. Allele origin: germline. Observed: 1 variant allele.
Comment: The p.Lys105Gln variant in SOX10 has not been previously reported in individuals with hearing loss and was absent from large population studies. This missense v ariant occurs in the highly conserved HMG domain, which is a critical domain for the function of the protein and is largely intolerant to variation. In addition , computational prediction tools and conservation analyses suggest that the p.Ly s105Gln variant may impact the protein. However, this information is not predict ive enough to determine pathogenicity. In summary, the clinical significance of the p.Lys105Gln variant is uncertain.